The following is an entry in ClinVar:

NM_001372.4(DNAH9):c.5530G>A (p.Val1844Met)

Gene: DNAH9 (dynein axonemal heavy chain 9; plus strand). Cytogenetic location: 17p12.
Variant type: single nucleotide variant.
Coding change: c.5530G>A on transcript NM_001372.4 (MANE Select); coding-DNA position 5530, G replaced by A.
Protein change: p.Val1844Met; replaces valine 1844 with methionine.
Molecular consequence: missense variant.
Genome position (GRCh38, 1-based): chr17:11,705,163, G>A. VCF-style: chr17-11705163-G-A. GRCh37 (hg19) VCF-style: chr17-11608480-G-A.
Other names: short protein forms V1844M.
Identifiers: ClinVar variation 1804447 (VCV001804447.2), dbSNP rs752444823, ClinGen allele CA8396018.

ClinVar aggregate classification (germline): Uncertain significance (1 of 4 stars; one submission).

Allele frequency attached by ClinVar (database versions not stated): ExAC 0.00001.
gnomAD v4.1: 4 of 1,614,160 alleles (0.00025%); highest among the groups gnomAD compares: Admixed American, 0.0033%; no homozygotes.

Submission:

GeneDx
Classification: Uncertain significance. Last evaluated: 2023-12-18. Review status: criteria provided, single submitter. Criteria: GeneDx Variant Classification Process June 2021. Collection method: clinical testing. Allele origin: germline.
Comment: In silico analysis supports that this missense variant has a deleterious effect on protein structure/function; Has not been previously published as pathogenic or benign to our knowledge